The following is an entry in ClinVar:

ClinVar aggregate classification (germline): Conflicting classifications of pathogenicity. Review status: criteria provided, conflicting classifications (1 of 4 stars). 3 submissions from 3 submitters: Likely pathogenic (2); Uncertain significance (1). Last evaluated 2024-12-23.

Conditions:
Developmental and epileptic encephalopathy, 69. Also called: EPILEPTIC ENCEPHALOPATHY, EARLY INFANTILE, 69. Identifiers: MedGen C4748988, MONDO:0032657, OMIM 618285.
Inborn genetic diseases. Identifiers: MedGen C0950123, MeSH D030342.

Submissions (3):

Ambry Genetics
Classification: Likely pathogenic for Inborn genetic diseases. Last evaluated: 2024-12-23. Review status: criteria provided, single submitter. Criteria: Ambry Variant Classification Scheme 2023. Collection method: clinical testing. Allele origin: germline.
Comment: The c.2105C>T (p.A702V) alteration is located in exon 17 (coding exon 17) of the CACNA1E gene. This alteration results from a C to T substitution at nucleotide position 2105, causing the alanine (A) at amino acid position 702 to be replaced by a valine (V). This variant was not reported in population-based cohorts in the Genome Aggregation Database (gnomAD). This variant was determined to be de novo in at least one individual with features consistent with CACNA1E-related neurodevelopmental disorder (Royer-Bertrand, 2021). This amino acid position is highly conserved in available vertebrate species. This alteration is predicted to be deleterious by in silico analysis. Based on the available evidence, this alteration is classified as likely pathogenic.

Clinical Genetics Laboratory, Skane University Hospital Lund
Classification: Likely pathogenic. Last evaluated: 2023-04-19. Review status: criteria provided, single submitter. Criteria: ACMG Guidelines, 2015. Collection method: clinical testing. Allele origin: germline. Affected: yes.

Centre for Mendelian Genomics, University Medical Centre Ljubljana
Classification: Uncertain significance for Developmental and epileptic encephalopathy, 69. Last evaluated: 2020-03-13. Review status: criteria provided, single submitter. Criteria: ACMG Guidelines, 2015. Collection method: clinical testing. Allele origin: unknown. Affected: yes.
Comment: This variant was classified as: Uncertain significance. The available evidence on this variant's pathogenicity is insufficient or conflicting. The following ACMG criteria were applied in classifying this variant: PM2,PP3.

Literature cited by the submitters: PubMed 34702355 (cited by Ambry Genetics).

NM_001205293.3(CACNA1E):c.2105C>T (p.Ala702Val)

Gene: CACNA1E (calcium voltage-gated channel subunit alpha1 E; plus strand). Cytogenetic location: 1q25.3.
Variant type: single nucleotide variant.
Coding change: c.2105C>T on transcript NM_001205293.3 (MANE Select); coding-DNA position 2105, C replaced by T.
Protein change: p.Ala702Val; replaces alanine 702 with valine.
Molecular consequence: missense variant.
Genome position (GRCh38, 1-based): chr1:181,724,500, C>T. VCF-style: chr1-181724500-C-T. GRCh37 (hg19) VCF-style: chr1-181693636-C-T.
Other names: c.2105C>T, p.Ala702Val (NM_000721.4, NM_001205294.2); short protein forms A702V.
Identifiers: ClinVar variation 931757 (VCV000931757.5), dbSNP rs1654707104, ClinGen allele CA343628405.
Genomic context (GRCh38, chr1:181,724,500, plus strand): 5'-TATTTGCCCATCCTTAATTCATCACCCCAGACACGCTACTGAATGTGTTCTTGGCTATCG[C>T]TGTGGATAATCTCGCCAACGCCCAGGAACTGACCAAGGTAAGCATTGTTTTCTGGGGATC-3'
Protein context (NP_001192222.1, residues 692-712): YTLLNVFLAI[Ala702Val]VDNLANAQEL